The following is an entry in ClinVar:

NM_002230.4(JUP):c.2155G>C (p.Asp719His)

Gene: JUP (junction plakoglobin; minus strand). Cytogenetic location: 17q21.2.
Variant type: single nucleotide variant.
Coding change: c.2155G>C on transcript NM_002230.4 (MANE Select); coding-DNA position 2155, G replaced by C.
Protein change: p.Asp719His; replaces aspartic acid 719 with histidine.
Molecular consequence: missense variant.
Genome position (GRCh38, 1-based): chr17:41,755,827, C>G on the plus strand (G>C on the coding strand, the complement: JUP is on the minus strand). VCF-style: chr17-41755827-C-G. GRCh37 (hg19) VCF-style: chr17-39912079-C-G.
Other names: c.2155G>C, p.Asp719His (NM_001352773.2, NM_001352774.2, NM_001352775.2 and 3 more transcripts); short protein forms D719H.
Identifiers: ClinVar variation 3763288 (VCV003763288.2).

ClinVar aggregate classification (germline): Uncertain significance (1 of 4 stars; one submission).

Conditions:
Arrhythmogenic right ventricular dysplasia 12. Also called: ARRHYTHMOGENIC RIGHT VENTRICULAR DYSPLASIA, FAMILIAL, 12. Identifiers: MedGen C1969081, MONDO:0012684, OMIM 611528.
Naxos disease (NXD). Also called: PALMOPLANTAR KERATODERMA WITH ARRHYTHMOGENIC RIGHT VENTRICULAR CARDIOMYOPATHY AND WOOLLY HAIR; WOOLLY HAIR, PALMOPLANTAR KERATODERMA, AND CARDIAC ABNORMALITIES; CARDIOMYOPATHY, ARRHYTHMOGENIC RIGHT VENTRICULAR, WITH SKIN, HAIR, AND NAIL ABNORMALITIES; KERATOSIS PALMOPLANTARIS WITH ARRHYTHMOGENIC CARDIOMYOPATHY; MAL DE NAXOS. Identifiers: Orphanet 34217, MedGen C1832600, MONDO:0011017, OMIM 601214.

Submission:

Labcorp Genetics (formerly Invitae), Labcorp
Classification: Uncertain significance for Arrhythmogenic right ventricular dysplasia 12; Naxos disease. Last evaluated: 2024-03-17. Review status: criteria provided, single submitter. Criteria: Invitae Variant Classification Sherloc (09022015). Collection method: clinical testing. Allele origin: germline.
Comment: This sequence change replaces aspartic acid, which is acidic and polar, with histidine, which is basic and polar, at codon 719 of the JUP protein (p.Asp719His). This variant is not present in population databases (gnomAD no frequency). This variant has not been reported in the literature in individuals affected with JUP-related conditions. An algorithm developed to predict the effect of missense changes on protein structure and function (PolyPhen-2) suggests that this variant is likely to be tolerated. In summary, the available evidence is currently insufficient to determine the role of this variant in disease. Therefore, it has been classified as a Variant of Uncertain Significance.